The following is an entry in ClinVar:

NM_016035.5(COQ4):c.357G>T (p.Pro119=)

Gene: COQ4 (coenzyme Q4; plus strand). Cytogenetic location: 9q34.11.
Variant type: single nucleotide variant.
Coding change: c.357G>T on transcript NM_016035.5 (MANE Select); coding-DNA position 357, G replaced by T.
Protein change: p.Pro119=; no amino-acid change (proline 119 retained).
Molecular consequence: synonymous variant. On other transcripts: missense variant (1).
Genome position (GRCh38, 1-based): chr9:128,325,836, G>T. VCF-style: chr9-128325836-G-T. GRCh37 (hg19) VCF-style: chr9-131088115-G-T.
Other names: p.Pro119=; c.260G>T, p.Arg87Leu (NM_001305942.2); short protein forms R87L.
Identifiers: ClinVar variation 380532 (VCV000380532.44), dbSNP rs138917651, ClinGen allele CA5260527.

ClinVar aggregate classification (germline): Likely benign. Review status: criteria provided, multiple submitters, no conflicts (2 of 4 stars). 5 submissions from 5 submitters: Likely benign (5). Last evaluated 2026-01-19.

Conditions:
Neonatal encephalomyopathy-cardiomyopathy-respiratory distress syndrome. Also called: Coenzyme Q10 deficiency, primary, 7. Identifiers: Orphanet 457185, MedGen C5568562, MONDO:0014562, OMIM 616276.

Allele frequency attached by ClinVar (database versions not stated): 1000 Genomes Project 30x 0.00016; 1000 Genomes Project 0.00020; ESP Exome Variant Server 0.00031.
gnomAD v4.1: 1,455 of 1,614,200 alleles (0.09%); highest among the groups gnomAD compares: Non-Finnish European, 0.11%; 1 homozygote.

Submissions (5):

Labcorp Genetics (formerly Invitae), Labcorp
Classification: Likely benign for Neonatal encephalomyopathy-cardiomyopathy-respiratory distress syndrome. Last evaluated: 2026-01-19. Review status: criteria provided, single submitter. Criteria: Invitae Variant Classification Sherloc (09022015). Collection method: clinical testing. Allele origin: germline.

CeGaT Center for Human Genetics Tuebingen
Classification: Likely benign. Last evaluated: 2026-01-01. Review status: criteria provided, single submitter. Criteria: CeGaT Center For Human Genetics Tuebingen Variant Classification Criteria Version 2. Collection method: clinical testing. Allele origin: germline. Affected: yes. Observed: 8 variant alleles.
Comment: COQ4: BP4, BP7

Mayo Clinic Laboratories, Mayo Clinic
Classification: Likely benign. Last evaluated: 2025-11-18. Review status: criteria provided, single submitter. Criteria: ACMG Guidelines, 2015. Collection method: clinical testing. Allele origin: germline. Observed: 4 variant alleles.
Comment: BP4, BP7

Blueprint Genetics
Classification: Likely benign. Last evaluated: 2024-07-14. Review status: criteria provided, single submitter. Criteria: ACMG Guidelines, 2015. Collection method: clinical testing. Allele origin: germline.

GeneDx
Classification: Likely benign. Last evaluated: 2020-10-22. Review status: criteria provided, single submitter. Criteria: GeneDx Variant Classification Process June 2021. Collection method: clinical testing. Allele origin: germline. Affected: yes.